The following is an entry in ClinVar:

NM_000128.4(F11):c.1480+2T>C

Gene: F11 (coagulation factor XI; plus strand). Cytogenetic location: 4q35.2.
Variant type: single nucleotide variant.
Coding change: c.1480+2T>C on transcript NM_000128.4 (MANE Select); the canonical splice donor site of the intron after coding-DNA position 1480, T replaced by C.
Molecular consequence: splice donor variant.
Genome position (GRCh38, 1-based): chr4:186,285,815, T>C. VCF-style: chr4-186285815-T-C. GRCh37 (hg19) VCF-style: chr4-187206969-T-C.
Identifiers: ClinVar variation 556268 (VCV000556268.5), dbSNP rs1554083758, ClinGen allele CA358943742.

ClinVar aggregate classification (germline): Likely pathogenic. Review status: criteria provided, multiple submitters, no conflicts (2 of 4 stars). 4 submissions from 4 submitters: Likely pathogenic (3). 1 of the submissions does not count toward it. Last evaluated 2026-03-30.

Conditions:
Plasma factor XI deficiency.
Hereditary factor XI deficiency disease. Also called: Congenital factor XI deficiency; PLASMA THROMBOPLASTIN ANTECEDENT DEFICIENCY; PTA DEFICIENCY; ROSENTHAL SYNDROME. Identifiers: Orphanet 329, MedGen C0015523, MeSH D005173, MONDO:0012897, OMIM 612416.

Allele frequency attached by ClinVar (database versions not stated): gnomAD exomes below 0.00001; TOPMed below 0.00001.

Submissions (4):

GeneDx
Classification: Likely pathogenic. Last evaluated: 2026-03-30. Review status: criteria provided, single submitter. Criteria: GeneDx Variant Classification Process June 2021. Collection method: clinical testing. Allele origin: germline.
Comment: Canonical splice site variant predicted to result in a null allele in a gene for which loss of function is a known mechanism of disease; Not observed at significant frequency in large population cohorts (gnomAD); Has not been previously published as pathogenic or benign to our knowledge

Myriad Genetics, Inc.
Classification: Likely pathogenic for Hereditary factor XI deficiency disease. Last evaluated: 2025-12-16. Review status: criteria provided, single submitter. Criteria: Myriad Autosomal Dominant, Autosomal Recessive and X-Linked Classification Criteria (2023). Collection method: clinical testing. Allele origin: unknown.
Comment: NM_000128.3(F11):c.1480+2T>C is a variant in a canonical splice site classified as pathogenic in the context of factor XI deficiency. c.1480+2T>C has not been observed in cases with relevant disease. Relevant functional assessments of this variant are not available in the literature. c.1480+2T>C has not been observed in referenced population frequency databases. In summary, NM_000128.3(F11):c.1480+2T>C is a variant in a canonical splice site in a gene where loss of function is a known mechanism of disease and is predicted to disrupt protein function. Please note: this variant was assessed in the context of healthy population screening.

Natera, Inc.
Classification: Likely pathogenic for Plasma factor XI deficiency. Last evaluated: 2025-06-26. Review status: criteria provided, single submitter. Criteria: Natera Variant Classification Schema (03/2026). Collection method: clinical testing. Allele origin: germline.
Comment: The c.1480+2T>C variant in F11 is a canonical splice donor site variant predicted to affect pre-mRNA splicing, which may result in an abnormal transcript and altered protein product. This variant is expected to result in nonsense mediated decay, truncation, or a dysfunctional protein product. This variant is rare in the general population with a frequency below the threshold expected for the associated phenotype(s). Given the available evidence, this variant is classified as Likely Pathogenic.

Counsyl
Classification: Likely pathogenic for Hereditary factor XI deficiency disease. Last evaluated: 2018-01-23. Review status: no assertion criteria provided. Collection method: clinical testing. Allele origin: unknown. Not counted in ClinVar's aggregate classification.